The following is an entry in ClinVar:

NM_172107.4(KCNQ2):c.715G>A (p.Gly239Ser)

Gene: KCNQ2 (potassium voltage-gated channel subfamily Q member 2; minus strand). Cytogenetic location: 20q13.33.
Variant type: single nucleotide variant.
Coding change: c.715G>A on transcript NM_172107.4 (MANE Select); coding-DNA position 715, G replaced by A.
Protein change: p.Gly239Ser; replaces glycine 239 with serine.
Molecular consequence: missense variant.
Genome position (GRCh38, 1-based): chr20:63,442,507, C>T on the plus strand (G>A on the coding strand, the complement: KCNQ2 is on the minus strand). VCF-style: chr20-63442507-C-T. GRCh37 (hg19) VCF-style: chr20-62073860-C-T.
Other names: c.715G>A, p.Gly239Ser (NM_001382235.1, NM_004518.6, NM_172106.3 and 2 more transcripts); c.715G>A (NM_172107.2, NM_004518.5); short protein forms G239S.
Identifiers: ClinVar variation 1717297 (VCV001717297.15), dbSNP rs1057516092, ClinGen allele CA409654025.
Genomic context (GRCh38, chr20:63,442,507, plus strand): 5'-CGTTCTCCCCCTTCTCTGCCAAGTACACCAGGAACGAGGCCAGGATGAGACAAAGGAAGC[C>T]GATGTACCAGGCAGTGACCAGCTCCTGAGAGGCAGACGGCACCACCATCATGACCACCAT-3'
Protein context (NP_742105.1, residues 229-249): SKELVTAWYI[Gly239Ser]FLCLILASFL

ClinVar aggregate classification (germline): Conflicting classifications of pathogenicity. Review status: criteria provided, conflicting classifications (1 of 4 stars). 5 submissions from 5 submitters: Pathogenic (3); Likely pathogenic (1); Uncertain significance (1). Last evaluated 2025-11-01.

Conditions:
Early-infantile DEE. Also called: Early infantile epileptic encephalopathy with suppression bursts; Ohtahara syndrome; Early infantile epileptic encephalopathy. Identifiers: Orphanet 1934, MedGen C0393706, MONDO:0800491.
Seizures, benign familial neonatal, 1. Also called: Seizures, benign neonatal, 1; KCNQ2-Related Benign Familial Neonatal Epilepsy; Benign Neonatal Epilepsy 1; KCNQ2-Related Self-Limited Familial Neonatal Epilepsy (SLFNE). Identifiers: Orphanet 1949, MedGen C3149074, MONDO:0007365, OMIM 121200.
Developmental and epileptic encephalopathy, 7 (DEE7). Also called: KCNQ2-Related Neonatal Epileptic Encephalopathy; Early infantile epileptic encephalopathy 7; KCNQ2-Related Neonatal-Onset Developmental and Epileptic Encephalopathy (NEO-DEE). Identifiers: Orphanet 439218, MedGen C3150986, MONDO:0013387, OMIM 613720.
Inborn genetic diseases. Identifiers: MedGen C0950123, MeSH D030342.

Submissions (5):

CeGaT Center for Human Genetics Tuebingen
Classification: Pathogenic. Last evaluated: 2025-11-01. Review status: criteria provided, single submitter. Criteria: CeGaT Center For Human Genetics Tuebingen Variant Classification Criteria Version 2. Collection method: clinical testing. Allele origin: germline. Affected: yes. Observed: 1 variant allele.
Comment: KCNQ2: PS2, PM1, PM2, PM5, PS4:Moderate, PP2, PP3, PS3:Supporting

Ambry Genetics
Classification: Pathogenic for Inborn genetic diseases. Last evaluated: 2025-09-04. Review status: criteria provided, single submitter. Criteria: Ambry Variant Classification Scheme 2023. Collection method: clinical testing. Allele origin: germline.
Comment: The c.715G>A (p.G239S) alteration is located in exon 5 (coding exon 5) of the KCNQ2 gene. This alteration results from a G to A substitution at nucleotide position 715, causing the glycine (G) at amino acid position 239 to be replaced by a serine (S). This variant was not reported in population-based cohorts in the Genome Aggregation Database (gnomAD). This variant was determined to be de novo in at least one individual with features consistent with KCNQ2-related seizure disorder (Bayat, 2024). Other variant(s) at the same codon, c.715G>C (p.G239R) have been identified in individual(s) with features consistent with KCNQ2-related seizure disorder (Milh, 2013). This amino acid position is highly conserved in available vertebrate species. This missense alteration is located in a region that has a low rate of benign missense variation (Lek, 2016; Firth, 2009). In multiple assays testing KCNQ2 function, this variant showed functionally abnormal results (Li, 2025; Bayat, 2024). This alteration is predicted to be deleterious by in silico analysis. Based on the available evidence, this alteration is classified as pathogenic.

GeneDx
Classification: Pathogenic. Last evaluated: 2025-04-09. Review status: criteria provided, single submitter. Criteria: GeneDx Variant Classification Process June 2021. Collection method: clinical testing. Allele origin: germline. Affected: yes.
Comment: Identified as de novo in two unrelated individuals with developmental delay, cognitive impairment, and autism spectrum disorder, and was suggested to have a gain of function effect (PMID: 38241158); In silico analysis supports that this missense variant has a deleterious effect on protein structure/function; This substitution is predicted to be within the transmembrane segment S5; Not observed at significant frequency in large population cohorts (gnomAD); This variant is associated with the following publications: (PMID: 25959266, 34711204, 23692823, 38241158)

Labcorp Genetics (formerly Invitae), Labcorp
Classification: Uncertain significance for Early-infantile DEE. Last evaluated: 2022-08-21. Review status: criteria provided, single submitter. Criteria: Invitae Variant Classification Sherloc (09022015). Collection method: clinical testing. Allele origin: germline.
Comment: This variant has not been reported in the literature in individuals affected with KCNQ2-related conditions. This variant is not present in population databases (gnomAD no frequency). This sequence change replaces glycine, which is neutral and non-polar, with serine, which is neutral and polar, at codon 239 of the KCNQ2 protein (p.Gly239Ser). Advanced modeling of protein sequence and biophysical properties (such as structural, functional, and spatial information, amino acid conservation, physicochemical variation, residue mobility, and thermodynamic stability) performed at Invitae indicates that this missense variant is expected to disrupt KCNQ2 protein function. In summary, the available evidence is currently insufficient to determine the role of this variant in disease. Therefore, it has been classified as a Variant of Uncertain Significance.

Molecular Genetics Lab, CHRU Brest
Classification: Likely pathogenic for Developmental and epileptic encephalopathy, 7; Seizures, benign familial neonatal, 1. Review status: criteria provided, single submitter. Criteria: ACMG Guidelines, 2015. Collection method: clinical testing. Allele origin: de novo. Affected: yes.

Literature cited by the submitters: PubMed 23692823 (cited by Ambry Genetics); PubMed 38241158 (cited by Ambry Genetics); PubMed 39814994 (cited by Ambry Genetics).